The following is an entry in ClinVar:

NM_000081.4(LYST):c.6898T>G (p.Leu2300Val)

Gene: LYST (lysosomal trafficking regulator; minus strand). Cytogenetic location: 1q42.3.
Variant type: single nucleotide variant.
Coding change: c.6898T>G on transcript NM_000081.4 (MANE Select); coding-DNA position 6898, T replaced by G.
Protein change: p.Leu2300Val; replaces leucine 2300 with valine.
Molecular consequence: missense variant.
Genome position (GRCh38, 1-based): chr1:235,757,442, A>C on the plus strand (T>G on the coding strand, the complement: LYST is on the minus strand). VCF-style: chr1-235757442-A-C. GRCh37 (hg19) VCF-style: chr1-235920742-A-C.
Other names: c.6898T>G, p.Leu2300Val (NM_001301365.1); short protein forms L2300V.
Identifiers: ClinVar variation 525153 (VCV000525153.9), dbSNP rs376007590, ClinGen allele CA1466266.
Genomic context (GRCh38, chr1:235,757,442, plus strand): 5'-CAGGCAGGATAAGAAGAACCCCACTTAGGAGTTCATATAATCCACAGCATATAGGTACCA[A>C]ACAGTCTTCAGTTACACTAAAACAGAGACCAAAAAAGTCTTACTAACATGACAAGAAAAG-3'
Protein context (NP_000072.2, residues 2290-2310): ASAHSVTEDC[Leu2300Val]VPICCGLYEL

ClinVar aggregate classification (germline): Uncertain significance. Review status: criteria provided, multiple submitters, no conflicts (2 of 4 stars). 3 submissions from 3 submitters: Uncertain significance (3). Last evaluated 2026-10-01.

Conditions:
Chédiak-Higashi syndrome (CHS). Also called: Chediak-Higashi Syndrome. Identifiers: Orphanet 167, MedGen C0007965, MONDO:0008963, OMIM 214500.

Allele frequency attached by ClinVar (database versions not stated): gnomAD exomes 0.00002; ExAC 0.00004; ESP Exome Variant Server 0.00008; TOPMed 0.00018; gnomAD 0.00019.
gnomAD v4.1: 65 of 1,613,400 alleles (0.004%); highest among the groups gnomAD compares: Admixed American, 0.057%; no homozygotes.

Submissions (3):

St. Jude Molecular Pathology, St. Jude Children's Research Hospital
Classification: Uncertain significance for Chédiak-Higashi syndrome. Last evaluated: 2026-10-01. Review status: criteria provided, single submitter. Criteria: St. Jude Assertion Criteria 2020. Collection method: clinical testing. Allele origin: germline.
Comment: The LYST c.6898T>G p.(Leu230 0Val) missense change has a maximum subpopulation frequency of 0.03% in gnomAD v2.1.1. The in silico tool REVEL predicts a benign effect on protein function, but to our knowledge this prediction has not been confirmed by functional studies. To our knowledge, this variant has not been reported in individuals with ChÃƒ ©diak-Higashi syndrome. In summary, the evidence currently available is insufficient to determine the clinical significance of this variant. It has therefore been classified as of uncertain significance.

Labcorp Genetics (formerly Invitae), Labcorp
Classification: Uncertain significance for Chédiak-Higashi syndrome. Last evaluated: 2025-08-26. Review status: criteria provided, single submitter. Criteria: Invitae Variant Classification Sherloc (09022015). Collection method: clinical testing. Allele origin: germline.
Comment: This sequence change replaces leucine, which is neutral and non-polar, with valine, which is neutral and non-polar, at codon 2300 of the LYST protein (p.Leu2300Val). This variant is present in population databases (rs376007590, gnomAD 0.03%). This variant has not been reported in the literature in individuals affected with LYST-related conditions. ClinVar contains an entry for this variant (Variation ID: 525153). Invitae Evidence Modeling of protein sequence and biophysical properties (such as structural, functional, and spatial information, amino acid conservation, physicochemical variation, residue mobility, and thermodynamic stability) indicates that this missense variant is not expected to disrupt LYST protein function with a negative predictive value of 80%. In summary, the available evidence is currently insufficient to determine the role of this variant in disease. Therefore, it has been classified as a Variant of Uncertain Significance.

Blueprint Genetics
Classification: Uncertain significance. Last evaluated: 2022-09-09. Review status: criteria provided, single submitter. Criteria: ACMG Guidelines, 2015. Collection method: clinical testing. Allele origin: germline.